The following is an entry in ClinVar:

ClinVar aggregate classification (germline): Uncertain significance. Review status: criteria provided, multiple submitters, no conflicts (2 of 4 stars). 2 submissions from 2 submitters: Uncertain significance (2). Last evaluated 2025-08-22.

Allele frequency attached by ClinVar (database versions not stated): gnomAD exomes 0.00001; ExAC 0.00006; gnomAD 0.00007; ESP Exome Variant Server 0.00016; 1000 Genomes Project 0.00020; 1000 Genomes Project 30x 0.00031.
gnomAD v4.1: 26 of 1,608,450 alleles (0.0016%); highest among the groups gnomAD compares: African/African-American, 0.029%; no homozygotes.

Submissions (2):

Ambry Genetics
Classification: Uncertain significance. Last evaluated: 2025-08-22. Review status: criteria provided, single submitter. Criteria: Ambry Variant Classification Scheme 2023. Collection method: clinical testing. Allele origin: germline.

Labcorp Genetics (formerly Invitae), Labcorp
Classification: Uncertain significance. Last evaluated: 2025-04-27. Review status: criteria provided, single submitter. Criteria: Invitae Variant Classification Sherloc (09022015). Collection method: clinical testing. Allele origin: germline.
Comment: This sequence change replaces leucine, which is neutral and non-polar, with phenylalanine, which is neutral and non-polar, at codon 398 of the RNF31 protein (p.Leu398Phe). This variant is present in population databases (rs371872565, gnomAD 0.05%). This variant has not been reported in the literature in individuals affected with RNF31-related conditions. ClinVar contains an entry for this variant (Variation ID: 2064432). An algorithm developed to predict the effect of missense changes on protein structure and function outputs the following: PolyPhen-2: "Benign". The phenylalanine amino acid residue is found in multiple mammalian species, which suggests that this missense change does not adversely affect protein function. In summary, the available evidence is currently insufficient to determine the role of this variant in disease. Therefore, it has been classified as a Variant of Uncertain Significance.

NM_017999.5(RNF31):c.1192C>T (p.Leu398Phe)

Gene: RNF31 (ring finger protein 31; plus strand). Cytogenetic location: 14q12.
Variant type: single nucleotide variant.
Coding change: c.1192C>T on transcript NM_017999.5 (MANE Select); coding-DNA position 1192, C replaced by T.
Protein change: p.Leu398Phe; replaces leucine 398 with phenylalanine.
Molecular consequence: missense variant.
Genome position (GRCh38, 1-based): chr14:24,150,443, C>T. VCF-style: chr14-24150443-C-T. GRCh37 (hg19) VCF-style: chr14-24619652-C-T.
Other names: c.1192C>T (NM_017999.4); c.739C>T, p.Leu247Phe (NM_001310332.2); short protein forms L247F, L398F.
Identifiers: ClinVar variation 2064432 (VCV002064432.5), dbSNP rs371872565, ClinGen allele CA7125704.